The following is an entry in ClinVar:

ClinVar aggregate classification (germline): Likely benign (1 of 4 stars; one submission).

Allele frequency attached by ClinVar (database versions not stated): TOPMed below 0.00001.

Submission:

GeneDx
Classification: Likely benign. Last evaluated: 2016-06-08. Review status: criteria provided, single submitter. Criteria: GeneDx Variant Classification (06012015). Collection method: clinical testing. Allele origin: germline. Affected: yes.
Comment: This variant is considered likely benign or benign based on one or more of the following criteria: it is a conservative change, it occurs at a poorly conserved position in the protein, it is predicted to be benign by multiple in silico algorithms, and/or has population frequency not consistent with disease.

NM_000136.3(FANCC):c.-84C>T

Gene: FANCC (FA complementation group C; minus strand). Cytogenetic location: 9q22.32.
Variant type: single nucleotide variant.
Coding change: c.-84C>T on transcript NM_000136.3 (MANE Select); 84 bases upstream of the start codon, C replaced by T.
Molecular consequence: 5 prime UTR variant.
Genome position (GRCh38, 1-based): chr9:95,317,531, G>A on the plus strand (C>T on the coding strand, the complement: FANCC is on the minus strand). VCF-style: chr9-95317531-G-A. GRCh37 (hg19) VCF-style: chr9-98079813-G-A.
Other names: c.-84C>T (NM_001243744.2).
Identifiers: ClinVar variation 386849 (VCV000386849.1), dbSNP rs1057522623, ClinGen allele CA16605580.
Genomic context (GRCh38, chr9:95,317,531, plus strand): 5'-CCAGACCCCCGAGGGAAGCCTCCGCCCTCGCTGCGTTCTGCGGCCTGCCGCTTACCGGGT[G>A]GTCCTCGCGGGAGCTGCTTCAGCAGTTTGGGCAGTGGCGGAAAGGAAGCCACCGCCCGGG-3'